The following is an entry in ClinVar:

ClinVar aggregate classification (germline): Pathogenic (1 of 4 stars; one submission).

Submission:

Quest Diagnostics Nichols Institute San Juan Capistrano
Classification: Pathogenic. Last evaluated: 2024-04-09. Review status: criteria provided, single submitter. Criteria: ACMG/ClinGen CNV Guidelines, 2019. Collection method: clinical testing. Allele origin: unknown.
Comment: This deletion involves at least 27 protein-coding genes and is contained within the region associated with 9p deletion syndrome (OMIM 158170; Barbaro 2009, Hauge 2008). Thus, this copy number variant is classified as pathogenic. References: Barbaro et al., Eur J Hum Genet. 2009 Nov;17(11):1439-47 PMID: 19417767; Hauge et al., Genet Med. 2008 Aug;10(8):599-611 PMID: 18641517

GRCh37/hg19 9p24.3-24.1(chr9:204738-5830317)x1

Genes: AK3 (adenylate kinase 3; minus strand), CD274 (CD274 molecule; plus strand), CDC37L1 (cell division cycle 37 like 1, HSP90 cochaperone; plus strand), DMRT1 (doublesex and mab-3 related transcription factor 1; plus strand), DMRT2 (doublesex and mab-3 related transcription factor 2; plus strand) and 24 more. Cytogenetic location: 9p24.3-24.1.
Variant type: copy number loss.
Change: copy number 1 (one copy instead of two) of chr9:204,738-5,830,317 (5.63 Mb, GRCh37 coordinates, 1-based), cytogenetic band 9p24.3-24.1.
Identifiers: ClinVar variation 3391904 (VCV003391904.1).